The following is an entry in ClinVar:

ClinVar aggregate classification (germline): Uncertain significance. Review status: criteria provided, multiple submitters, no conflicts (2 of 4 stars). 2 submissions from 2 submitters: Uncertain significance (2). Last evaluated 2023-01-17.

Conditions:
Catecholaminergic polymorphic ventricular tachycardia 1. Also called: RYR2-Related Catecholaminergic Polymorphic Ventricular Tachycardia; VENTRICULAR TACHYCARDIA, STRESS-INDUCED POLYMORPHIC 1; VENTRICULAR TACHYCARDIA, CATECHOLAMINERGIC POLYMORPHIC, 1, WITH OR WITHOUT ATRIAL DYSFUNCTION AND/OR DILATED CARDIOMYOPATHY. Identifiers: Orphanet 3286, MedGen C1631597, MONDO:0011484, OMIM 604772.

Allele frequency attached by ClinVar (database versions not stated): gnomAD exomes below 0.00001.
gnomAD v4.1: 2 of 1,547,026 alleles (0.00013%); highest among the groups gnomAD compares: Non-Finnish European, 0.00017%; no homozygotes.

Submissions (2):

Labcorp Genetics (formerly Invitae), Labcorp
Classification: Uncertain significance for Catecholaminergic polymorphic ventricular tachycardia 1. Last evaluated: 2023-01-17. Review status: criteria provided, single submitter. Criteria: Invitae Variant Classification Sherloc (09022015). Collection method: clinical testing. Allele origin: germline.
Comment: In summary, the available evidence is currently insufficient to determine the role of this variant in disease. Therefore, it has been classified as a Variant of Uncertain Significance. Advanced modeling of protein sequence and biophysical properties (such as structural, functional, and spatial information, amino acid conservation, physicochemical variation, residue mobility, and thermodynamic stability) performed at Invitae indicates that this missense variant is not expected to disrupt RYR2 protein function. ClinVar contains an entry for this variant (Variation ID: 165108). This variant has not been reported in the literature in individuals affected with RYR2-related conditions. This variant is not present in population databases (gnomAD no frequency). This sequence change replaces threonine, which is neutral and polar, with serine, which is neutral and polar, at codon 2781 of the RYR2 protein (p.Thr2781Ser).

Laboratory for Molecular Medicine, Mass General Brigham Personalized Medicine
Classification: Uncertain significance. Last evaluated: 2013-12-26. Review status: criteria provided, single submitter. Criteria: LMM Criteria. Collection method: clinical testing. Allele origin: germline. Observed: 1 variant allele.
Comment: The Thr2781Ser variant in RYR2 has not been previously reported in individuals w ith cardiomyopathy or in large population studies. Computational analyses (amino acid biochemical properties, conservation, SIFT, PolyPhen-2, AlignGVGD) do not provide strong support for or against an impact to the protein. Additional infor mation is needed to fully assess the clinical significance of this variant.

NM_001035.3(RYR2):c.8342C>G (p.Thr2781Ser)

Gene: RYR2 (ryanodine receptor 2; plus strand). Cytogenetic location: 1q43.
Variant type: single nucleotide variant.
Coding change: c.8342C>G on transcript NM_001035.3 (MANE Select); coding-DNA position 8342, C replaced by G.
Protein change: p.Thr2781Ser; replaces threonine 2781 with serine.
Molecular consequence: missense variant.
Genome position (GRCh38, 1-based): chr1:237,660,853, C>G. VCF-style: chr1-237660853-C-G. GRCh37 (hg19) VCF-style: chr1-237824153-C-G.
Other names: short protein forms T2781S.
Identifiers: ClinVar variation 165108 (VCV000165108.8), dbSNP rs369963696, ClinGen allele CA010949.